The following is an entry in ClinVar:

NM_006445.4(PRPF8):c.182T>C (p.Met61Thr)

Gene: PRPF8 (pre-mRNA processing factor 8; minus strand). Cytogenetic location: 17p13.3.
Variant type: single nucleotide variant.
Coding change: c.182T>C on transcript NM_006445.4 (MANE Select); coding-DNA position 182, T replaced by C.
Protein change: p.Met61Thr; replaces methionine 61 with threonine.
Molecular consequence: missense variant.
Genome position (GRCh38, 1-based): chr17:1,683,620, A>G on the plus strand (T>C on the coding strand, the complement: PRPF8 is on the minus strand). VCF-style: chr17-1683620-A-G. GRCh37 (hg19) VCF-style: chr17-1586914-A-G.
Other names: short protein forms M61T.
Identifiers: ClinVar variation 1010198 (VCV001010198.5), dbSNP rs1913058338, ClinGen allele CA397570967.
Genomic context (GRCh38, chr17:1,683,620, plus strand): 5'-AACTTCCTGTTGGTCATGTCTCCATGGTCTCGAATGATCTTCCTGACATGTTCTGGGGGC[A>G]TGTCTTCCTTCTGGGCATCCACAAACCCAAACTTCCGCTTTTCTGCATAGCGCTTGGCCT-3'
Protein context (NP_006436.3, residues 51-71): FGFVDAQKED[Met61Thr]PPEHVRKIIR

ClinVar aggregate classification (germline): Uncertain significance (1 of 4 stars; one submission).

Allele frequency attached by ClinVar (database versions not stated): gnomAD exomes below 0.00001; gnomAD 0.00001.
gnomAD v4.1: 4 of 1,614,084 alleles (0.00025%); highest among the groups gnomAD compares: Non-Finnish European, 0.00034%; no homozygotes.

Submission:

Labcorp Genetics (formerly Invitae), Labcorp
Classification: Uncertain significance. Last evaluated: 2020-07-02. Review status: criteria provided, single submitter. Criteria: Invitae Variant Classification Sherloc (09022015). Collection method: clinical testing. Allele origin: germline.
Comment: Algorithms developed to predict the effect of missense changes on protein structure and function are either unavailable or do not agree on the potential impact of this missense change (SIFT: "Deleterious"; PolyPhen-2: "Possibly Damaging"; Align-GVGD: "Class C0"). This sequence change replaces methionine with threonine at codon 61 of the PRPF8 protein (p.Met61Thr). The methionine residue is highly conserved and there is a moderate physicochemical difference between methionine and threonine. This variant is not present in population databases (ExAC no frequency). This variant has not been reported in the literature in individuals with PRPF8-related conditions. In summary, the available evidence is currently insufficient to determine the role of this variant in disease. Therefore, it has been classified as a Variant of Uncertain Significance.